The following is an entry in ClinVar:

NM_018958.3(NPAP1):c.2781C>T (p.Gly927=)

Gene: NPAP1 (nuclear pore associated protein 1; plus strand). Cytogenetic location: 15q11.2.
Variant type: single nucleotide variant.
Coding change: c.2781C>T on transcript NM_018958.3 (MANE Select); coding-DNA position 2781, C replaced by T.
Protein change: p.Gly927=; no amino-acid change (glycine 927 retained).
Molecular consequence: synonymous variant.
Genome position (GRCh38, 1-based): chr15:24,678,648, C>T. VCF-style: chr15-24678648-C-T. GRCh37 (hg19) VCF-style: chr15-24923795-C-T.
Identifiers: ClinVar variation 734399 (VCV000734399.25), dbSNP rs149131090, ClinGen allele CA7430991.

ClinVar aggregate classification (germline): Benign/Likely benign. Review status: criteria provided, multiple submitters, no conflicts (2 of 4 stars). 2 submissions from 2 submitters: Benign (1); Likely benign (1). Last evaluated 2024-01-01.

Allele frequency attached by ClinVar (database versions not stated): gnomAD 0.00026 and 0.00031; TOPMed 0.00040; gnomAD exomes 0.00074; ExAC 0.00078; 1000 Genomes Project 30x 0.00109; 1000 Genomes Project 0.00140.

Submissions (2):

CeGaT Center for Human Genetics Tuebingen
Classification: Likely benign. Last evaluated: 2024-01-01. Review status: criteria provided, single submitter. Criteria: CeGaT Center For Human Genetics Tuebingen Variant Classification Criteria Version 2. Collection method: clinical testing. Allele origin: germline. Affected: yes. Observed: 1 variant allele.
Comment: NPAP1: BP4, BP7

Labcorp Genetics (formerly Invitae), Labcorp
Classification: Benign. Last evaluated: 2018-04-06. Review status: criteria provided, single submitter. Criteria: Invitae Variant Classification Sherloc (09022015). Collection method: clinical testing. Allele origin: germline.